The following is an entry in ClinVar:

NM_182961.4(SYNE1):c.21700A>T (p.Ser7234Cys)

Gene: SYNE1 (spectrin repeat containing nuclear envelope protein 1; minus strand). Cytogenetic location: 6q25.2.
Variant type: single nucleotide variant.
Coding change: c.21700A>T on transcript NM_182961.4 (MANE Select); coding-DNA position 21700, A replaced by T.
Protein change: p.Ser7234Cys; replaces serine 7234 with cysteine.
Molecular consequence: missense variant.
Genome position (GRCh38, 1-based): chr6:152,221,003, T>A on the plus strand (A>T on the coding strand, the complement: SYNE1 is on the minus strand). VCF-style: chr6-152221003-T-A. GRCh37 (hg19) VCF-style: chr6-152542138-T-A.
Other names: c.21487A>T, p.Ser7163Cys (NM_033071.5); short protein forms S7234C, S7163C.
Identifiers: ClinVar variation 4792658 (VCV004792658.1).

ClinVar aggregate classification (germline): Uncertain significance (1 of 4 stars; one submission).

Conditions:
Emery-Dreifuss muscular dystrophy 4, autosomal dominant (EDMD4). Also called: EMERY-DREIFUSS MUSCULAR DYSTROPHY 4 WITH VARIABLE FEATURES. Identifiers: Orphanet 261, MedGen C2751807, MONDO:0013071, OMIM 612998.
Autosomal recessive ataxia, Beauce type. Also called: Spinocerebellar ataxia, autosomal recessive 8; ATAXIA, RECESSIVE, OF BEAUCE; SYNE1 Deficiency; SYNE1-Related Autosomal Recessive Cerebellar Ataxia. Identifiers: Orphanet 88644, MedGen C1853116, MONDO:0012549, OMIM 610743.

Submission:

Labcorp Genetics (formerly Invitae), Labcorp
Classification: Uncertain significance for Emery-Dreifuss muscular dystrophy 4, autosomal dominant; Autosomal recessive ataxia, Beauce type. Last evaluated: 2025-10-09. Review status: criteria provided, single submitter. Criteria: Invitae Variant Classification Sherloc (09022015). Collection method: clinical testing. Allele origin: germline.
Comment: This sequence change replaces serine, which is neutral and polar, with cysteine, which is neutral and slightly polar, at codon 7163 of the SYNE1 protein (p.Ser7163Cys). This variant is not present in population databases (gnomAD no frequency). This variant has not been reported in the literature in individuals affected with SYNE1-related conditions. An algorithm developed to predict the effect of missense changes on protein structure and function (PolyPhen-2) suggests that this variant is likely to be disruptive. In summary, the available evidence is currently insufficient to determine the role of this variant in disease. Therefore, it has been classified as a Variant of Uncertain Significance.